The following is an entry in ClinVar:

ClinVar aggregate classification (germline): Uncertain significance (1 of 4 stars; one submission).

Allele frequency attached by ClinVar (database versions not stated): gnomAD exomes 0.00001 and 0.00004; TOPMed 0.00001; ExAC 0.00005; gnomAD 0.00005.

Submission:

Labcorp Genetics (formerly Invitae), Labcorp
Classification: Uncertain significance. Last evaluated: 2024-04-02. Review status: criteria provided, single submitter. Criteria: Invitae Variant Classification Sherloc (09022015). Collection method: clinical testing. Allele origin: germline.
Comment: This sequence change replaces asparagine, which is neutral and polar, with serine, which is neutral and polar, at codon 204 of the GPR179 protein (p.Asn204Ser). This variant is present in population databases (rs781500524, gnomAD 0.01%). This variant has not been reported in the literature in individuals affected with GPR179-related conditions. ClinVar contains an entry for this variant (Variation ID: 1521289). An algorithm developed to predict the effect of missense changes on protein structure and function (PolyPhen-2) suggests that this variant is likely to be disruptive. In summary, the available evidence is currently insufficient to determine the role of this variant in disease. Therefore, it has been classified as a Variant of Uncertain Significance.

NM_001004334.4(GPR179):c.611A>G (p.Asn204Ser)

Gene: GPR179 (G protein-coupled receptor 179; minus strand). Cytogenetic location: 17q12.
Variant type: single nucleotide variant.
Coding change: c.611A>G on transcript NM_001004334.4 (MANE Select); coding-DNA position 611, A replaced by G.
Protein change: p.Asn204Ser; replaces asparagine 204 with serine.
Molecular consequence: missense variant.
Genome position (GRCh38, 1-based): chr17:38,343,179, T>C on the plus strand (A>G on the coding strand, the complement: GPR179 is on the minus strand). VCF-style: chr17-38343179-T-C. GRCh37 (hg19) VCF-style: chr17-36499062-T-C.
Other names: short protein forms N204S.
Identifiers: ClinVar variation 1521289 (VCV001521289.7), dbSNP rs781500524, ClinGen allele CA290111471.